The following is an entry in ClinVar:

ClinVar aggregate classification (germline): Uncertain significance. Review status: criteria provided, multiple submitters, no conflicts (2 of 4 stars). 2 submissions from 2 submitters: Uncertain significance (2). Last evaluated 2025-06-12.

Conditions:
Inborn genetic diseases. Identifiers: MedGen C0950123, MeSH D030342.

Allele frequency attached by ClinVar (database versions not stated): ExAC 0.00001; gnomAD exomes 0.00001.
gnomAD v4.1: 6 of 1,613,522 alleles (0.00037%); highest among the groups gnomAD compares: African/African-American, 0.0067%; no homozygotes.

Submissions (2):

Labcorp Genetics (formerly Invitae), Labcorp
Classification: Uncertain significance. Last evaluated: 2025-06-12. Review status: criteria provided, single submitter. Criteria: Invitae Variant Classification Sherloc (09022015). Collection method: clinical testing. Allele origin: germline.
Comment: This sequence change replaces valine, which is neutral and non-polar, with methionine, which is neutral and non-polar, at codon 667 of the CACNA2D4 protein (p.Val667Met). This variant is present in population databases (rs772802489, gnomAD 0.007%). This variant has not been reported in the literature in individuals affected with CACNA2D4-related conditions. ClinVar contains an entry for this variant (Variation ID: 1930689). An algorithm developed to predict the effect of missense changes on protein structure and function (PolyPhen-2) suggests that this variant is likely to be tolerated. In summary, the available evidence is currently insufficient to determine the role of this variant in disease. Therefore, it has been classified as a Variant of Uncertain Significance.

Ambry Genetics
Classification: Uncertain significance for Inborn genetic diseases. Last evaluated: 2025-04-29. Review status: criteria provided, single submitter. Criteria: Ambry Variant Classification Scheme 2023. Collection method: clinical testing. Allele origin: germline.

NM_172364.5(CACNA2D4):c.1999G>A (p.Val667Met)

Gene: CACNA2D4 (calcium voltage-gated channel auxiliary subunit alpha2delta 4; minus strand). Cytogenetic location: 12p13.33.
Variant type: single nucleotide variant.
Coding change: c.1999G>A on transcript NM_172364.5 (MANE Select); coding-DNA position 1999, G replaced by A.
Protein change: p.Val667Met; replaces valine 667 with methionine.
Molecular consequence: missense variant.
Genome position (GRCh38, 1-based): chr12:1,858,586, C>T on the plus strand (G>A on the coding strand, the complement: CACNA2D4 is on the minus strand). VCF-style: chr12-1858586-C-T. GRCh37 (hg19) VCF-style: chr12-1967752-C-T.
Other names: c.1999G>A (NM_172364.4); short protein forms V667M.
Identifiers: ClinVar variation 1930689 (VCV001930689.6), dbSNP rs772802489, ClinGen allele CA6386898.